The following is an entry in ClinVar:

ClinVar aggregate classification (germline): Uncertain significance (1 of 4 stars; one submission).

Conditions:
Tyrosinemia type I (TYRSN1). Also called: FAH DEFICIENCY; Tyrosinemia type 1; Fumarylacetoacetase deficiency; Deficiency of fumarylacetoacetase; HEPATORENAL TYROSINEMIA. Identifiers: Orphanet 882, MedGen C0268490, MONDO:0010161, OMIM 276700. Disease mechanism: loss of function.

Allele frequency attached by ClinVar (database versions not stated): gnomAD exomes below 0.00001.
gnomAD v4.1: 3 of 1,613,894 alleles (0.00019%); highest among the groups gnomAD compares: East Asian, 0.0022%; no homozygotes.

Submission:

Labcorp Genetics (formerly Invitae), Labcorp
Classification: Uncertain significance for Tyrosinemia type I. Last evaluated: 2021-12-23. Review status: criteria provided, single submitter. Criteria: Invitae Variant Classification Sherloc (09022015). Collection method: clinical testing. Allele origin: germline.
Comment: This sequence change replaces asparagine, which is neutral and polar, with serine, which is neutral and polar, at codon 318 of the FAH protein (p.Asn318Ser). This variant is present in population databases (no rsID available, gnomAD 0.003%). This variant has not been reported in the literature in individuals affected with FAH-related conditions. Algorithms developed to predict the effect of missense changes on protein structure and function are either unavailable or do not agree on the potential impact of this missense change (SIFT: "Deleterious"; PolyPhen-2: "Possibly Damaging"; Align-GVGD: "Class C0"). In summary, the available evidence is currently insufficient to determine the role of this variant in disease. Therefore, it has been classified as a Variant of Uncertain Significance.

NM_000137.4(FAH):c.953A>G (p.Asn318Ser)

Gene: FAH (fumarylacetoacetate hydrolase; plus strand). Cytogenetic location: 15q25.1.
Variant type: single nucleotide variant.
Coding change: c.953A>G on transcript NM_000137.4 (MANE Select); coding-DNA position 953, A replaced by G.
Protein change: p.Asn318Ser; replaces asparagine 318 with serine.
Molecular consequence: missense variant.
Genome position (GRCh38, 1-based): chr15:80,177,576, A>G. VCF-style: chr15-80177576-A-G. GRCh37 (hg19) VCF-style: chr15-80469918-A-G.
Other names: c.953A>G, p.Asn318Ser (NM_001374377.1, NM_001374380.1); short protein forms N318S.
Identifiers: ClinVar variation 2166093 (VCV002166093.1), dbSNP rs1426269096, ClinGen allele CA393621610.